The following is an entry in ClinVar:

ClinVar aggregate classification (germline): Uncertain significance (1 of 4 stars; one submission).

Conditions:
Congenital myasthenic syndrome 5. Identifiers: Orphanet 590, MedGen C1864233, MONDO:0011281, OMIM 603034.

Submission:

Labcorp Genetics (formerly Invitae), Labcorp
Classification: Uncertain significance for Congenital myasthenic syndrome 5. Last evaluated: 2021-06-16. Review status: criteria provided, single submitter. Criteria: Invitae Variant Classification Sherloc (09022015). Collection method: clinical testing. Allele origin: germline.
Comment: This variant is not present in population databases (ExAC no frequency). In summary, the available evidence is currently insufficient to determine the role of this variant in disease. Therefore, it has been classified as a Variant of Uncertain Significance. Algorithms developed to predict the effect of missense changes on protein structure and function are either unavailable or do not agree on the potential impact of this missense change (SIFT: "Tolerated"; PolyPhen-2: "Not Available"; Align-GVGD: "Class C0"). This variant has not been reported in the literature in individuals with COLQ-related conditions. This sequence change replaces methionine with valine at codon 142 of the COLQ protein (p.Met142Val). The methionine residue is moderately conserved and there is a small physicochemical difference between methionine and valine.

NM_005677.4(COLQ):c.424A>G (p.Met142Val)

Gene: COLQ (collagen like tail subunit of asymmetric acetylcholinesterase; minus strand). Cytogenetic location: 3p25.1.
Variant type: single nucleotide variant.
Coding change: c.424A>G on transcript NM_005677.4 (MANE Select); coding-DNA position 424, A replaced by G.
Protein change: p.Met142Val; replaces methionine 142 with valine.
Molecular consequence: missense variant.
Genome position (GRCh38, 1-based): chr3:15,477,167, T>C on the plus strand (A>G on the coding strand, the complement: COLQ is on the minus strand). VCF-style: chr3-15477167-T-C. GRCh37 (hg19) VCF-style: chr3-15518674-T-C.
Other names: c.394A>G, p.Met132Val (NM_080538.2); c.322A>G, p.Met108Val (NM_080539.4); short protein forms M142V, M108V, M132V.
Identifiers: ClinVar variation 1469476 (VCV001469476.8), dbSNP rs2125119662, ClinGen allele CA351599351.